The following is an entry in ClinVar:

ClinVar aggregate classification (germline): Uncertain significance (1 of 4 stars; one submission).

Conditions:
Atrioventricular septal defect 4 (AVSD4). Identifiers: MedGen C3280781, MONDO:0013747, OMIM 614430.

gnomAD v4.1: 2 of 1,414,762 alleles (0.00014%); highest among the groups gnomAD compares: African/African-American, 0.0015%; no homozygotes.

Submission:

Labcorp Genetics (formerly Invitae), Labcorp
Classification: Uncertain significance for Atrioventricular septal defect 4. Last evaluated: 2023-10-23. Review status: criteria provided, single submitter. Criteria: Invitae Variant Classification Sherloc (09022015). Collection method: clinical testing. Allele origin: germline.
Comment: This sequence change replaces glycine, which is neutral and non-polar, with arginine, which is basic and polar, at codon 150 of the GATA4 protein (p.Gly150Arg). This variant is not present in population databases (gnomAD no frequency). This variant has not been reported in the literature in individuals affected with GATA4-related conditions. Advanced modeling of protein sequence and biophysical properties (such as structural, functional, and spatial information, amino acid conservation, physicochemical variation, residue mobility, and thermodynamic stability) performed at Invitae indicates that this missense variant is not expected to disrupt GATA4 protein function. This variant disrupts the p.Gly150 amino acid residue in GATA4. Other variant(s) that disrupt this residue have been determined to be pathogenic (PMID: 23626780). This suggests that this residue is clinically significant, and that variants that disrupt this residue are likely to be disease-causing. In summary, the available evidence is currently insufficient to determine the role of this variant in disease. Therefore, it has been classified as a Variant of Uncertain Significance.

Literature cited by the submitters: PubMed 23626780.

NM_001308093.3(GATA4):c.448G>C (p.Gly150Arg)

Gene: GATA4 (GATA binding protein 4). Cytogenetic location: 8p23.1.
Variant type: single nucleotide variant.
Coding change: c.448G>C on transcript NM_001308093.3 (MANE Select); coding-DNA position 448, G replaced by C.
Protein change: p.Gly150Arg; replaces glycine 150 with arginine.
Molecular consequence: missense variant. On other transcripts: intron variant (3).
Genome position (GRCh38, 1-based): chr8:11,708,760, G>C. VCF-style: chr8-11708760-G-C. GRCh37 (hg19) VCF-style: chr8-11566269-G-C.
Other names: c.448G>C, p.Gly150Arg (NM_002052.5); c.-6+7982G>C (NM_001308094.2); c.-3+746G>C (NM_001374274.1); c.-3+4456G>C (NM_001374273.1); short protein forms G150R.
Identifiers: ClinVar variation 2914183 (VCV002914183.3), dbSNP rs1024075653, ClinGen allele CA370309645.
Genomic context (GRCh38, chr8:11,708,760, plus strand): 5'-GCGGCCTACAGCAGTGGCGGCGGAGCGGCGGGTGCGGGCCTGGCGGGCCGCGAGCAGTAC[G>C]GGCGCGCCGGCTTCGCGGGCTCCTACTCCAGCCCCTACCCGGCTTACATGGCCGACGTGG-3'
Protein context (NP_001295022.1, residues 140-160): GAGLAGREQY[Gly150Arg]RAGFAGSYSS